The following is an entry in ClinVar:

NM_003850.3(SUCLA2):c.92T>C (p.Val31Ala)

Gene: SUCLA2 (succinate-CoA ligase ADP-forming subunit beta; minus strand). Cytogenetic location: 13q14.2.
Variant type: single nucleotide variant.
Coding change: c.92T>C on transcript NM_003850.3 (MANE Select); coding-DNA position 92, T replaced by C.
Protein change: p.Val31Ala; replaces valine 31 with alanine.
Molecular consequence: missense variant.
Genome position (GRCh38, 1-based): chr13:47,997,022, A>G on the plus strand (T>C on the coding strand, the complement: SUCLA2 is on the minus strand). VCF-style: chr13-47997022-A-G. GRCh37 (hg19) VCF-style: chr13-48571157-A-G.
Other names: p.Val31Ala; short protein forms V31A.
Identifiers: ClinVar variation 3380151 (VCV003380151.1).

ClinVar aggregate classification (germline): Uncertain significance (1 of 4 stars; one submission).

gnomAD v4.1: 1 of 1,614,062 alleles (0.000062%); highest among the groups gnomAD compares: Non-Finnish European, 0.000085%; no homozygotes.

Submission:

Mayo Clinic Laboratories, Mayo Clinic
Classification: Uncertain significance. Last evaluated: 2024-05-06. Review status: criteria provided, single submitter. Criteria: ACMG Guidelines, 2015. Collection method: clinical testing. Allele origin: germline. Observed: 1 variant allele.
Comment: BP4, PM2_moderate